The following is an entry in ClinVar:

ClinVar aggregate classification (germline): Uncertain significance (1 of 4 stars; one submission).

Allele frequency attached by ClinVar (database versions not stated): ESP Exome Variant Server 0.00015; gnomAD exomes 0.00015 and 0.00043; ExAC 0.00020; gnomAD 0.00049 and 0.00051; TOPMed 0.00053.
gnomAD v4.1: 311 of 1,610,470 alleles (0.019%); highest among the groups gnomAD compares: Middle Eastern, 0.28%; 2 homozygotes.

Submission:

Genetic Services Laboratory, University of Chicago
Classification: Uncertain significance. Last evaluated: 2022-01-19. Review status: criteria provided, single submitter. Criteria: ACMG Guidelines, 2015. Collection method: clinical testing. Allele origin: germline. Affected: no.
Comment: DNA sequence analysis of the USP45 gene demonstrated a sequence change, c.1196A>G, in exon 13 that results in an amino acid change, p.Asn399Ser. This sequence change has been described in the gnomAD database with a frequency of 0.24% in the Latino/Admixed American subpopulation (dbSNP rs142018914). The p.Asn399Ser change affects a poorly conserved amino acid residue located in a domain of the USP45 protein that is known to be functional. The p.Asn399Ser substitution appears to be benign using several in-silico pathogenicity prediction tools (SIFT, PolyPhen2, Align GVGD, REVEL). This sequence change does not appear to have been previously described in individuals with USP45-related disorders. Due to insufficient evidences and the lack of functional studies, the clinical significance of the p.Asn399Ser change remains unknown at this time.

NM_001346022.3(USP45):c.1196A>G (p.Asn399Ser)

Gene: USP45 (ubiquitin specific peptidase 45; minus strand). Cytogenetic location: 6q16.2.
Variant type: single nucleotide variant.
Coding change: c.1196A>G on transcript NM_001346022.3 (MANE Select); coding-DNA position 1196, A replaced by G.
Protein change: p.Asn399Ser; replaces asparagine 399 with serine.
Molecular consequence: missense variant. On other transcripts: non-coding transcript variant (5).
Genome position (GRCh38, 1-based): chr6:99,464,716, T>C on the plus strand (A>G on the coding strand, the complement: USP45 is on the minus strand). VCF-style: chr6-99464716-T-C. GRCh37 (hg19) VCF-style: chr6-99912592-T-C.
Other names: c.1196A>G, p.Asn399Ser (NM_001080481.3, NM_001346021.3, NM_001346026.3 and 1 more transcripts); c.1193A>G, p.Asn398Ser (NM_001346023.3); c.1022A>G, p.Asn341Ser (NM_001346024.3); c.1019A>G, p.Asn340Ser (NM_001346025.3); c.116A>G, p.Asn39Ser (NM_001346027.3, NM_001346028.3, NM_001346029.3); short protein forms N340S, N341S, N398S, N399S, N39S.
Identifiers: ClinVar variation 1336026 (VCV001336026.4), dbSNP rs142018914, ClinGen allele CA3935351.